The following is an entry in ClinVar:

ClinVar aggregate classification (germline): Uncertain significance. Review status: criteria provided, multiple submitters, no conflicts (2 of 4 stars). 3 submissions from 3 submitters: Uncertain significance (3). Last evaluated 2024-12-07.

Conditions:
Kabuki syndrome. Also called: NIIKAWA-KUROKI SYNDROME; Kabuki make-up syndrome. Identifiers: Orphanet 2322, MedGen C0796004, MONDO:0016512.
Choanal atresia-athelia-hypothyroidism-delayed puberty-short stature syndrome (BCAHH). Also called: BRANCHIAL ARCH ABNORMALITIES, CHOANAL ATRESIA, ATHELIA, HEARING LOSS, AND HYPOTHYROIDISM SYNDROME. Identifiers: Orphanet 589856, MedGen C5680310, MONDO:0035651, OMIM 620186.
Kabuki syndrome 1 (KABUK1). Also called: KMT2D-Related Kabuki Syndrome. Identifiers: Orphanet 2322, MedGen CN030661, MONDO:0007843, OMIM 147920.

Allele frequency attached by ClinVar (database versions not stated): gnomAD exomes below 0.00001; ExAC 0.00001.
gnomAD v4.1: 4 of 1,609,136 alleles (0.00025%); highest among the groups gnomAD compares: Non-Finnish European, 0.00034%; no homozygotes.

Submissions (3):

Labcorp Genetics (formerly Invitae), Labcorp
Classification: Uncertain significance for Kabuki syndrome. Last evaluated: 2024-12-07. Review status: criteria provided, single submitter. Criteria: Invitae Variant Classification Sherloc (09022015). Collection method: clinical testing. Allele origin: germline.
Comment: This sequence change replaces arginine, which is basic and polar, with cysteine, which is neutral and slightly polar, at codon 1315 of the KMT2D protein (p.Arg1315Cys). This variant is not present in population databases (gnomAD no frequency). This variant has not been reported in the literature in individuals affected with KMT2D-related conditions. ClinVar contains an entry for this variant (Variation ID: 1878818). Invitae Evidence Modeling of protein sequence and biophysical properties (such as structural, functional, and spatial information, amino acid conservation, physicochemical variation, residue mobility, and thermodynamic stability) indicates that this missense variant is expected to disrupt KMT2D protein function with a positive predictive value of 80%. In summary, the available evidence is currently insufficient to determine the role of this variant in disease. Therefore, it has been classified as a Variant of Uncertain Significance.

Fulgent Genetics
Classification: Uncertain significance for Kabuki syndrome 1; Choanal atresia-athelia-hypothyroidism-delayed puberty-short stature syndrome. Last evaluated: 2024-01-23. Review status: criteria provided, single submitter. Criteria: ACMG Guidelines, 2015. Collection method: clinical testing. Allele origin: germline.

GeneDx
Classification: Uncertain significance. Last evaluated: 2022-12-30. Review status: criteria provided, single submitter. Criteria: GeneDx Variant Classification Process June 2021. Collection method: clinical testing. Allele origin: germline. Affected: yes.
Comment: Not observed at significant frequency in large population cohorts (gnomAD); In silico analysis supports that this missense variant has a deleterious effect on protein structure/function; Has not been previously published as pathogenic or benign to our knowledge

NM_003482.4(KMT2D):c.3943C>T (p.Arg1315Cys)

Genes: KMT2D (lysine methyltransferase 2D; minus strand), LOC126861520 (CDK7 strongly-dependent group 2 enhancer GRCh37_chr12:49442744-49443943; plus strand). Cytogenetic location: 12q13.12.
Variant type: single nucleotide variant.
Coding change: c.3943C>T on transcript NM_003482.4 (MANE Select); coding-DNA position 3943, C replaced by T.
Protein change: p.Arg1315Cys; replaces arginine 1315 with cysteine.
Molecular consequence: missense variant.
Genome position (GRCh38, 1-based): chr12:49,049,182, G>A on the plus strand (C>T on the coding strand, the complement: KMT2D is on the minus strand). VCF-style: chr12-49049182-G-A. GRCh37 (hg19) VCF-style: chr12-49442965-G-A.
Other names: short protein forms R1315C.
Identifiers: ClinVar variation 1878818 (VCV001878818.4), dbSNP rs770095362, ClinGen allele CA6547939.